The following is an entry in ClinVar:

ClinVar aggregate classification (germline): Uncertain significance (1 of 4 stars; one submission).

gnomAD v4.1: 10 of 1,614,158 alleles (0.00062%); highest among the groups gnomAD compares: Non-Finnish European, 0.00076%; no homozygotes.

Submission:

Labcorp Genetics (formerly Invitae), Labcorp
Classification: Uncertain significance. Last evaluated: 2024-06-20. Review status: criteria provided, single submitter. Criteria: Invitae Variant Classification Sherloc (09022015). Collection method: clinical testing. Allele origin: germline.
Comment: This sequence change replaces lysine, which is basic and polar, with glutamine, which is neutral and polar, at codon 330 of the DNAJC21 protein (p.Lys330Gln). This variant is not present in population databases (gnomAD no frequency). This variant has not been reported in the literature in individuals affected with DNAJC21-related conditions. An algorithm developed to predict the effect of missense changes on protein structure and function (PolyPhen-2) suggests that this variant is likely to be disruptive. In summary, the available evidence is currently insufficient to determine the role of this variant in disease. Therefore, it has been classified as a Variant of Uncertain Significance.

NM_001012339.3(DNAJC21):c.988A>C (p.Lys330Gln)

Gene: DNAJC21 (DnaJ heat shock protein family (Hsp40) member C21; plus strand). Cytogenetic location: 5p13.2.
Variant type: single nucleotide variant.
Coding change: c.988A>C on transcript NM_001012339.3 (MANE Select); coding-DNA position 988, A replaced by C.
Protein change: p.Lys330Gln; replaces lysine 330 with glutamine.
Molecular consequence: missense variant.
Genome position (GRCh38, 1-based): chr5:34,944,871, A>C. VCF-style: chr5-34944871-A-C. GRCh37 (hg19) VCF-style: chr5-34944976-A-C.
Other names: c.988A>C, p.Lys330Gln (NM_001348420.2, NM_194283.4); short protein forms K330Q.
Identifiers: ClinVar variation 3608588 (VCV003608588.2).
Genomic context (GRCh38, chr5:34,944,871, plus strand): 5'-ATCTGGACACGTGAACTAATTTTAGCGCAGCTGCTCACGTCAGATTGCTCTTTCAGCATG[A>C]AGAATCACGAGAAGTCAAAGAAGCATCGGGAAATGGTGGCCTTGCTAAAACAACAGCTGG-3'
Protein context (NP_001012339.2, residues 320-340): DKSFKTEKAM[Lys330Gln]NHEKSKKHRE